The following is an entry in ClinVar:

NM_001034116.2(EIF2B4):c.36G>A (p.Ser12=)

Gene: EIF2B4 (eukaryotic translation initiation factor 2B subunit delta; minus strand). Cytogenetic location: 2p23.3.
Variant type: single nucleotide variant.
Coding change: c.36G>A on transcript NM_001034116.2 (MANE Select); coding-DNA position 36, G replaced by A.
Protein change: p.Ser12=; no amino-acid change (serine 12 retained).
Molecular consequence: synonymous variant. On other transcripts: 5 prime UTR variant (4).
Genome position (GRCh38, 1-based): chr2:27,369,915, C>T on the plus strand (G>A on the coding strand, the complement: EIF2B4 is on the minus strand). VCF-style: chr2-27369915-C-T. GRCh37 (hg19) VCF-style: chr2-27592782-C-T.
Other names: c.99G>A, p.Ser33= (NM_001318965.2, NM_172195.4); c.-10G>A (NM_001318966.2); c.-51G>A (NM_001318967.2); c.-480G>A (NM_001318968.2); c.-557G>A (NM_001318969.2); c.36G>A, p.Ser12= (NM_015636.4).
Identifiers: ClinVar variation 1567838 (VCV001567838.12), dbSNP rs778090500, ClinGen allele CA1577041.
Genomic context (GRCh38, chr2:27,369,915, plus strand): 5'-TGGGAGGGAAGCCTCACTTACCCCAGGCCCAGGGGGAAGCTCCGCCTTCATCCCGGATCC[C>T]GAGTCTGCATCAGAAAACAGGGCACAAAGTGAGCCAGAGAGACTCCGGGAGGGTTTGGGG-3'
Protein context (NP_001029288.1, residues 2-22): AAVAVAVRED[Ser12=]GSGMKAELPP

ClinVar aggregate classification (germline): Likely benign. Review status: criteria provided, multiple submitters, no conflicts (2 of 4 stars). 2 submissions from 2 submitters: Likely benign (2). Last evaluated 2026-06-01.

Allele frequency attached by ClinVar (database versions not stated): gnomAD 0.00001; gnomAD exomes 0.00004 and 0.00009; ExAC 0.00007; TOPMed 0.00008.
gnomAD v4.1: 24 of 1,583,108 alleles (0.0015%); highest among the groups gnomAD compares: Admixed American, 0.042%; no homozygotes.

Submissions (2):

CeGaT Center for Human Genetics Tuebingen
Classification: Likely benign. Last evaluated: 2026-06-01. Review status: criteria provided, single submitter. Criteria: CeGaT Center For Human Genetics Tuebingen Variant Classification Criteria Version 2. Collection method: clinical testing. Allele origin: germline. Affected: yes. Observed: 2 variant alleles.
Comment: EIF2B4: BP4, BP7

Labcorp Genetics (formerly Invitae), Labcorp
Classification: Likely benign. Last evaluated: 2025-11-19. Review status: criteria provided, single submitter. Criteria: Invitae Variant Classification Sherloc (09022015). Collection method: clinical testing. Allele origin: germline.